The following is an entry in ClinVar:

NM_153676.4(USH1C):c.941G>A (p.Arg314Gln)

Gene: USH1C (USH1 protein network component harmonin; minus strand). Cytogenetic location: 11p15.1.
Variant type: single nucleotide variant.
Coding change: c.941G>A on transcript NM_153676.4 (MANE Select); coding-DNA position 941, G replaced by A.
Protein change: p.Arg314Gln; replaces arginine 314 with glutamine.
Molecular consequence: missense variant. On other transcripts: non-coding transcript variant (1).
Genome position (GRCh38, 1-based): chr11:17,522,862, C>T on the plus strand (G>A on the coding strand, the complement: USH1C is on the minus strand). VCF-style: chr11-17522862-C-T. GRCh37 (hg19) VCF-style: chr11-17544409-C-T.
Other names: c.941G>A (NM_005709.3, NM_153676.3); c.884G>A, p.Arg295Gln (NM_001297764.2); c.941G>A, p.Arg314Gln (NM_005709.4); short protein forms R314Q, R295Q.
Identifiers: ClinVar variation 2162510 (VCV002162510.4), dbSNP rs769953534, ClinGen allele CA5904781.

ClinVar aggregate classification (germline): Uncertain significance. Review status: criteria provided, multiple submitters, no conflicts (2 of 4 stars). 4 submissions from 4 submitters: Uncertain significance (4). Last evaluated 2026-06-21.

Conditions:
USH1C-related disorder. Also called: USH1C-related condition.

Allele frequency attached by ClinVar (database versions not stated): ExAC 0.00004.
gnomAD v4.1: 15 of 1,612,848 alleles (0.00093%); highest among the groups gnomAD compares: East Asian, 0.0089%; no homozygotes.

Submissions (4):

PreventionGenetics, part of Exact Sciences
Classification: Uncertain significance for USH1C-related condition. Last evaluated: 2026-06-21. Review status: criteria provided, single submitter. Criteria: ACMG Guidelines, 2015. Collection method: clinical testing. Allele origin: germline.
Comment: The USH1C c.941G>A variant is predicted to result in the amino acid substitution p.Arg314Gln. To our knowledge, this variant has not been reported in the literature. This variant is reported in 0.017% of alleles in individuals of East Asian descent in gnomAD. At this time, the clinical significance of this variant is uncertain due to the absence of conclusive functional and genetic evidence.

GeneDx
Classification: Uncertain significance. Last evaluated: 2024-11-05. Review status: criteria provided, single submitter. Criteria: GeneDx Variant Classification Process June 2021. Collection method: clinical testing. Allele origin: germline. Affected: yes.
Comment: In silico analysis indicates that this missense variant does not alter protein structure/function; Has not been previously published as pathogenic or benign to our knowledge

Labcorp Genetics (formerly Invitae), Labcorp
Classification: Uncertain significance. Last evaluated: 2022-07-25. Review status: criteria provided, single submitter. Criteria: Invitae Variant Classification Sherloc (09022015). Collection method: clinical testing. Allele origin: germline.
Comment: This sequence change replaces arginine, which is basic and polar, with glutamine, which is neutral and polar, at codon 314 of the USH1C protein (p.Arg314Gln). This variant is present in population databases (rs769953534, gnomAD 0.02%). This variant has not been reported in the literature in individuals affected with USH1C-related conditions. Algorithms developed to predict the effect of missense changes on protein structure and function are either unavailable or do not agree on the potential impact of this missense change (SIFT: "Tolerated"; PolyPhen-2: "Possibly Damaging"; Align-GVGD: "Class C0"). In summary, the available evidence is currently insufficient to determine the role of this variant in disease. Therefore, it has been classified as a Variant of Uncertain Significance.

Blueprint Genetics
Classification: Uncertain significance. Last evaluated: 2021-12-29. Review status: criteria provided, single submitter. Criteria: ACMG Guidelines, 2015. Collection method: clinical testing. Allele origin: germline.